The following is an entry in ClinVar:

ClinVar aggregate classification (germline): Uncertain significance. Review status: criteria provided, multiple submitters, no conflicts (2 of 4 stars). 2 submissions from 2 submitters: Uncertain significance (2). Last evaluated 2026-01-07.

Conditions:
Hereditary spastic paraplegia 30. Identifiers: Orphanet 101010, MedGen C5235139, MONDO:0012476.
Neuropathy, hereditary sensory, type 2C. Also called: Hereditary sensory and autonomic neuropathy type IIC; KIF1A-Related HSAN2 (HSAN2C). Identifiers: Orphanet 970, MedGen C3280168, MONDO:0013634, OMIM 614213.
Intellectual disability, autosomal dominant 9 (NESCAVS). Also called: KIF1A-Related Neurodevelopmental Disorder; NESCAV SYNDROME. Identifiers: Orphanet 662367, MedGen C5393830, MONDO:0013656, OMIM 614255.

gnomAD v4.1: 3 of 1,613,154 alleles (0.00019%); highest among the groups gnomAD compares: South Asian, 0.0011%; no homozygotes.

Submissions (2):

GeneDx
Classification: Uncertain significance. Last evaluated: 2026-01-07. Review status: criteria provided, single submitter. Criteria: GeneDx Variant Classification Process June 2021. Collection method: clinical testing. Allele origin: germline.
Comment: In silico analysis suggests that this missense variant does not alter protein structure/function; Has not been previously published as pathogenic or benign to our knowledge

Labcorp Genetics (formerly Invitae), Labcorp
Classification: Uncertain significance for Hereditary spastic paraplegia 30; Neuropathy, hereditary sensory, type 2C; Intellectual disability, autosomal dominant 9. Last evaluated: 2024-01-27. Review status: criteria provided, single submitter. Criteria: Invitae Variant Classification Sherloc (09022015). Collection method: clinical testing. Allele origin: germline.
Comment: This sequence change replaces histidine, which is basic and polar, with glutamine, which is neutral and polar, at codon 421 of the KIF1A protein (p.His421Gln). This variant is present in population databases (rs369856336, gnomAD 0.003%). This variant has not been reported in the literature in individuals affected with KIF1A-related conditions. ClinVar contains an entry for this variant (Variation ID: 2180361). Advanced modeling of protein sequence and biophysical properties (such as structural, functional, and spatial information, amino acid conservation, physicochemical variation, residue mobility, and thermodynamic stability) performed at Invitae indicates that this missense variant is expected to disrupt KIF1A protein function with a positive predictive value of 95%. In summary, the available evidence is currently insufficient to determine the role of this variant in disease. Therefore, it has been classified as a Variant of Uncertain Significance.

NM_001244008.2(KIF1A):c.1290C>A (p.His430Gln)

Gene: KIF1A (kinesin family member 1A; minus strand). Cytogenetic location: 2q37.3.
Variant type: single nucleotide variant.
Coding change: c.1290C>A on transcript NM_001244008.2 (MANE Select); coding-DNA position 1290, C replaced by A.
Protein change: p.His430Gln; replaces histidine 430 with glutamine.
Molecular consequence: missense variant.
Genome position (GRCh38, 1-based): chr2:240,771,022, G>T on the plus strand (C>A on the coding strand, the complement: KIF1A is on the minus strand). VCF-style: chr2-240771022-G-T. GRCh37 (hg19) VCF-style: chr2-241710439-G-T.
Other names: c.1263C>A (NM_004321.6); c.1290C>A, p.His430Gln (NM_001320705.2, NM_001330289.2, NM_001379638.1); c.1365C>A, p.His455Gln (NM_001330290.2, NM_001379631.1, NM_001379634.1 and 2 more transcripts); c.1263C>A, p.His421Gln (NM_001379632.1, NM_001379633.1, NM_001379636.1 and 11 more transcripts); c.1338C>A, p.His446Gln (NM_001379637.1, NM_001379648.1); short protein forms H421Q, H430Q, H455Q, H446Q.
Identifiers: ClinVar variation 2180361 (VCV002180361.6), dbSNP rs369856336, ClinGen allele CA2208456.
Genomic context (GRCh38, chr2:240,771,022, plus strand): 5'-TGCCCTCACCTTCAGTCTTTCAATGGCCTCCTCGCTGCCCGGGGCAAACAAGATGCGCTC[G>T]TGGAGGCTGGACACGGAGGCCGCGCGGCTGGACAGGGCTGAGAGCGAGGATGAGGGGCTC-3'
Protein context (NP_001230937.1, residues 420-440): SSRAASVSSL[His430Gln]ERILFAPGSE